The following is an entry in ClinVar:

NM_018192.4(P3H2):c.1817+3A>G

Gene: P3H2 (prolyl 3-hydroxylase 2; minus strand). Cytogenetic location: 3q28.
Variant type: single nucleotide variant.
Coding change: c.1817+3A>G on transcript NM_018192.4 (MANE Select); 3 bases into the intron after coding-DNA position 1817, A replaced by G.
Molecular consequence: intron variant.
Genome position (GRCh38, 1-based): chr3:189,971,887, T>C on the plus strand (A>G on the coding strand, the complement: P3H2 is on the minus strand). VCF-style: chr3-189971887-T-C. GRCh37 (hg19) VCF-style: chr3-189689676-T-C.
Other names: c.1274+3A>G (NM_001134418.2).
Identifiers: ClinVar variation 4763655 (VCV004763655.1).

ClinVar aggregate classification (germline): Uncertain significance (1 of 4 stars; one submission).

gnomAD v4.1: 13 of 1,547,904 alleles (0.00084%); highest among the groups gnomAD compares: South Asian, 0.0056%; no homozygotes.

Submission:

Labcorp Genetics (formerly Invitae), Labcorp
Classification: Uncertain significance. Last evaluated: 2026-01-13. Review status: criteria provided, single submitter. Criteria: Invitae Variant Classification Sherloc (09022015). Collection method: clinical testing. Allele origin: germline.
Comment: This sequence change falls in intron 12 of the P3H2 gene. It does not directly change the encoded amino acid sequence of the P3H2 protein. It affects a nucleotide within the consensus splice site. This variant is present in population databases (rs763381366, gnomAD 0.003%). This variant has not been reported in the literature in individuals affected with P3H2-related conditions. Variants that disrupt the consensus splice site are a relatively common cause of aberrant splicing (PMID: 17576681, 9536098). Algorithms developed to predict the effect of sequence changes on RNA splicing suggest that this variant may disrupt the consensus splice site. In summary, the available evidence is currently insufficient to determine the role of this variant in disease. Therefore, it has been classified as a Variant of Uncertain Significance.

Literature cited by the submitters: PubMed 17576681; PubMed 9536098.